The following is an entry in ClinVar:

ClinVar aggregate classification (germline): Uncertain significance (1 of 4 stars; one submission).

Submission:

Labcorp Genetics (formerly Invitae), Labcorp
Classification: Uncertain significance. Last evaluated: 2023-11-01. Review status: criteria provided, single submitter. Criteria: Invitae Variant Classification Sherloc (09022015). Collection method: clinical testing. Allele origin: germline.
Comment: This sequence change replaces arginine, which is basic and polar, with threonine, which is neutral and polar, at codon 1793 of the PCLO protein (p.Arg1793Thr). This variant is not present in population databases (gnomAD no frequency). This variant has not been reported in the literature in individuals affected with PCLO-related conditions. Experimental studies and prediction algorithms are not available or were not evaluated, and the functional significance of this variant is currently unknown. In summary, the available evidence is currently insufficient to determine the role of this variant in disease. Therefore, it has been classified as a Variant of Uncertain Significance.

NM_033026.6(PCLO):c.5378G>C (p.Arg1793Thr)

Gene: PCLO (piccolo presynaptic cytomatrix protein; minus strand). Cytogenetic location: 7q21.11.
Variant type: single nucleotide variant.
Coding change: c.5378G>C on transcript NM_033026.6 (MANE Select); coding-DNA position 5378, G replaced by C.
Protein change: p.Arg1793Thr; replaces arginine 1793 with threonine.
Molecular consequence: missense variant.
Genome position (GRCh38, 1-based): chr7:82,955,575, C>G on the plus strand (G>C on the coding strand, the complement: PCLO is on the minus strand). VCF-style: chr7-82955575-C-G. GRCh37 (hg19) VCF-style: chr7-82584891-C-G.
Other names: c.5378G>C, p.Arg1793Thr (NM_014510.3); short protein forms R1793T.
Identifiers: ClinVar variation 2692612 (VCV002692612.3), dbSNP rs2535707423, ClinGen allele CA367924447.